The following is an entry in ClinVar:

ClinVar aggregate classification (germline): Uncertain significance (1 of 4 stars; one submission).

Submission:

Ambry Genetics
Classification: Uncertain significance. Last evaluated: 2025-11-04. Review status: criteria provided, single submitter. Criteria: Ambry Variant Classification Scheme 2023. Collection method: clinical testing. Allele origin: germline.
Comment: The p.C75S variant (also known as c.224G>C), located in coding exon 1 of the MC1R gene, results from a G to C substitution at nucleotide position 224. The cysteine at codon 75 is replaced by serine, an amino acid with dissimilar properties. This amino acid position is conserved. In addition, this alteration is predicted to be tolerated by in silico analysis. Based on the available evidence, the clinical significance of this variant remains unclear.

NM_002386.4(MC1R):c.224G>C (p.Cys75Ser)

Gene: MC1R (melanocortin 1 receptor; plus strand). Cytogenetic location: 16q24.3.
Variant type: single nucleotide variant.
Coding change: c.224G>C on transcript NM_002386.4 (MANE Select); coding-DNA position 224, G replaced by C.
Protein change: p.Cys75Ser; replaces cysteine 75 with serine.
Molecular consequence: missense variant.
Genome position (GRCh38, 1-based): chr16:89,919,482, G>C. VCF-style: chr16-89919482-G-C. GRCh37 (hg19) VCF-style: chr16-89985890-G-C.
Other names: short protein forms C75S.
Identifiers: ClinVar variation 4550309 (VCV004550309.1).